The following is an entry in ClinVar:

NM_178857.6(RP1L1):c.384G>T (p.Gln128His)

Gene: RP1L1 (RP1 like 1). Cytogenetic location: 8p23.1.
Variant type: single nucleotide variant.
Coding change: c.384G>T on transcript NM_178857.6 (MANE Select); coding-DNA position 384, G replaced by T.
Protein change: p.Gln128His; replaces glutamine 128 with histidine.
Molecular consequence: missense variant.
Genome position (GRCh38, 1-based): chr8:10,622,818, C>A on the plus strand (G>T on the coding strand, the complement: RP1L1 is on the minus strand). VCF-style: chr8-10622818-C-A. GRCh37 (hg19) VCF-style: chr8-10480328-C-A.
Other names: short protein forms Q128H.
Identifiers: ClinVar variation 1381900 (VCV001381900.8), dbSNP rs763495243, ClinGen allele CA370300333.
Genomic context (GRCh38, chr8:10,622,818, plus strand): 5'-AAGACTCTTCCGGGAGGAGGAGGTGCCTGGGGCTTCACGCTGGCCTTCGACATCCCGCAA[C>A]TGCTGAGCAGTGGGGTTTCTCTCCTGTGGCCGGCCTGGTCCACTGGGGGTCTTGGGGGGC-3'
Protein context (NP_849188.4, residues 118-138): RPQERNPTAQ[Gln128His]LRDVEGQREA

ClinVar aggregate classification (germline): Uncertain significance (1 of 4 stars; one submission).

Allele frequency attached by ClinVar (database versions not stated): TOPMed below 0.00001.

Submission:

Labcorp Genetics (formerly Invitae), Labcorp
Classification: Uncertain significance. Last evaluated: 2021-07-17. Review status: criteria provided, single submitter. Criteria: Invitae Variant Classification Sherloc (09022015). Collection method: clinical testing. Allele origin: germline.
Comment: In summary, the available evidence is currently insufficient to determine the role of this variant in disease. Therefore, it has been classified as a Variant of Uncertain Significance. Advanced modeling of protein sequence and biophysical properties (such as structural, functional, and spatial information, amino acid conservation, physicochemical variation, residue mobility, and thermodynamic stability) performed at Invitae indicates that this missense variant is not expected to disrupt RP1L1 protein function. This variant has not been reported in the literature in individuals affected with RP1L1-related conditions. This variant is not present in population databases (ExAC no frequency). This sequence change replaces glutamine with histidine at codon 128 of the RP1L1 protein (p.Gln128His). The glutamine residue is weakly conserved and there is a small physicochemical difference between glutamine and histidine.